The following is an entry in ClinVar:

NM_017617.5(NOTCH1):c.5256C>G (p.Cys1752Trp)

Gene: NOTCH1 (notch receptor 1; minus strand). Cytogenetic location: 9q34.3.
Variant type: single nucleotide variant.
Coding change: c.5256C>G on transcript NM_017617.5 (MANE Select); coding-DNA position 5256, C replaced by G.
Protein change: p.Cys1752Trp; replaces cysteine 1752 with tryptophan.
Molecular consequence: missense variant.
Genome position (GRCh38, 1-based): chr9:136,502,400, G>C on the plus strand (C>G on the coding strand, the complement: NOTCH1 is on the minus strand). VCF-style: chr9-136502400-G-C. GRCh37 (hg19) VCF-style: chr9-139396852-G-C.
Other names: short protein forms C1752W.
Identifiers: ClinVar variation 2735693 (VCV002735693.3), dbSNP rs770333134, ClinGen allele CA375640842.

ClinVar aggregate classification (germline): Uncertain significance (1 of 4 stars; one submission).

Conditions:
Adams-Oliver syndrome 5 (AOS5). Identifiers: Orphanet 974, MedGen C4014970, MONDO:0014459, OMIM 616028.

Submission:

Labcorp Genetics (formerly Invitae), Labcorp
Classification: Uncertain significance for Adams-Oliver syndrome 5. Last evaluated: 2023-07-03. Review status: criteria provided, single submitter. Criteria: Invitae Variant Classification Sherloc (09022015). Collection method: clinical testing. Allele origin: germline.
Comment: In summary, the available evidence is currently insufficient to determine the role of this variant in disease. Therefore, it has been classified as a Variant of Uncertain Significance. Advanced modeling of protein sequence and biophysical properties (such as structural, functional, and spatial information, amino acid conservation, physicochemical variation, residue mobility, and thermodynamic stability) performed at Invitae indicates that this missense variant is not expected to disrupt NOTCH1 protein function. This variant is not present in population databases (gnomAD no frequency). This sequence change replaces cysteine, which is neutral and slightly polar, with tryptophan, which is neutral and slightly polar, at codon 1752 of the NOTCH1 protein (p.Cys1752Trp). This variant has not been reported in the literature in individuals affected with NOTCH1-related conditions.